The following is an entry in ClinVar:

ClinVar aggregate classification (germline): Uncertain significance. Review status: criteria provided, multiple submitters, no conflicts (2 of 4 stars). 11 submissions from 11 submitters: Uncertain significance (8). 3 of the submissions do not count toward it. Last evaluated 2026-08-19.

Conditions:
PEX1-related disorder. Also called: PEX1-related condition.
Zellweger spectrum disorders (ZS). Also called: Zellweger Spectrum Disorder; Zellweger Spectrum; Zellweger syndrome; Zellweger Spectrum Disorder (ZSD). Identifiers: Orphanet 912, MedGen C0043459, MONDO:0019609.

Submissions (11):

PreventionGenetics, part of Exact Sciences
Classification: Uncertain significance for PEX1-related condition. Last evaluated: 2026-08-19. Review status: criteria provided, single submitter. Criteria: ACMG Guidelines, 2015. Collection method: clinical testing. Allele origin: germline.
Comment: The PEX1 c.3419_3424del6 variant is predicted to result in an in-frame deletion (p.Asn1140_Gly1141del). To our knowledge, this variant has not been reported in the literature. This variant is reported in 0.10% of alleles in individuals of Latino descent in gnomAD. Although we suspect that this variant may be benign, at this time, the clinical significance of this variant is uncertain due to the absence of conclusive functional and genetic evidence.

Labcorp Genetics (formerly Invitae), Labcorp
Classification: Uncertain significance for Zellweger spectrum disorders. Last evaluated: 2026-02-01. Review status: criteria provided, single submitter. Criteria: Invitae Variant Classification Sherloc (09022015). Collection method: clinical testing. Allele origin: germline.
Comment: This variant, c.3419_3424del, results in the deletion of 2 amino acid(s) of the PEX1 protein (p.Asn1140_Gly1141del), but otherwise preserves the integrity of the reading frame. This variant is present in population databases (rs758076338, gnomAD 0.1%). This variant has not been reported in the literature in individuals affected with PEX1-related conditions. ClinVar contains an entry for this variant (Variation ID: 596889). Experimental studies and prediction algorithms are not available or were not evaluated, and the functional significance of this variant is currently unknown. In summary, the available evidence is currently insufficient to determine the role of this variant in disease. Therefore, it has been classified as a Variant of Uncertain Significance.

Women's Health and Genetics/Laboratory Corporation of America, LabCorp
Classification: Uncertain significance. Last evaluated: 2025-12-15. Review status: criteria provided, single submitter. Criteria: LabCorp Variant Classification Summary - May 2015. Collection method: clinical testing. Allele origin: germline.
Comment: Variant summary: PEX1 c.3419_3424delATGGAA (p.Asn1140_Gly1141del) results in an in-frame deletion that is predicted to remove two amino acids from the encoded protein. The variant allele was found at a frequency of 0.00018 in 251128 control chromosomes. This frequency is not significantly higher than estimated for disease-causing variants in PEX1, allowing no conclusion about variant significance. To our knowledge, no occurrence of c.3419_3424delATGGAA in individuals affected with PEX1-related conditions and no experimental evidence demonstrating its impact on protein function have been reported. ClinVar contains an entry for this variant (Variation ID: 596889). Based on the evidence outlined above, the variant was classified as uncertain significance.

Blueprint Genetics
Classification: Uncertain significance. Last evaluated: 2024-10-09. Review status: criteria provided, single submitter. Criteria: ACMG Guidelines, 2015. Collection method: clinical testing. Allele origin: germline.

GeneDx
Classification: Uncertain significance. Last evaluated: 2024-01-12. Review status: criteria provided, single submitter. Criteria: GeneDx Variant Classification Process June 2021. Collection method: clinical testing. Allele origin: germline. Affected: yes.
Comment: In-frame deletion of 2 amino acids in a non-repeat region; In silico analysis supports that this variant does not alter protein structure/function; Has not been previously published as pathogenic or benign to our knowledge

Dubai Health Genomic Medicine Center, Dubai Health
Classification: Uncertain significance. Last evaluated: 2020-05-14. Review status: criteria provided, single submitter. Criteria: ACMG Guidelines, 2015. Collection method: clinical testing. Allele origin: germline. Affected: yes.

Eurofins Ntd Llc (ga)
Classification: Uncertain significance. Last evaluated: 2018-04-10. Review status: criteria provided, single submitter. Criteria: EGL ClinVar v180209 classification definitions. Collection method: clinical testing. Allele origin: germline.

Breakthrough Genomics
Classification: Uncertain significance. Review status: criteria provided, single submitter. Criteria: ACMG Guidelines, 2015. Collection method: not provided. Allele origin: germline. Inheritance: Autosomal recessive inheritance. Affected: yes.

Natera, Inc.
Classification: Uncertain significance for Zellweger syndrome. Last evaluated: 2018-05-09. Review status: no assertion criteria provided. Collection method: clinical testing. Allele origin: germline. Not counted in ClinVar's aggregate classification.

Clinical Genetics DNA and cytogenetics Diagnostics Lab, Erasmus MC, Erasmus Medical Center
Classification: Uncertain significance. Review status: no assertion criteria provided. Collection method: clinical testing. Allele origin: germline. Affected: yes. Study: VKGL Data-share Consensus. Not counted in ClinVar's aggregate classification.

Joint Genome Diagnostic Labs from Nijmegen and Maastricht, Radboudumc and MUMC+
Classification: Uncertain significance. Review status: no assertion criteria provided. Collection method: clinical testing. Allele origin: germline. Affected: yes. Study: VKGL Data-share Consensus. Not counted in ClinVar's aggregate classification.

NM_000466.3(PEX1):c.3419_3424del (p.Asn1140_Gly1141del)

Genes: GATAD1 (GATA zinc finger domain containing 1; plus strand), PEX1 (peroxisomal biogenesis factor 1; minus strand). Cytogenetic location: 7q21.2.
Variant type: Deletion.
Coding change: c.3419_3424del on transcript NM_000466.3 (MANE Select); coding-DNA positions 3419 to 3424, 6 bases deleted (ATGGAA; older notation c.3419_3424delATGGAA).
Protein change: p.Asn1140_Gly1141del.
Molecular consequence: inframe deletion.
Genome position (GRCh38, 1-based): chr7:92,491,286-92,491,291, TTCCAT deleted on the plus strand (ATGGAA on the coding strand, the reverse complement: PEX1 is on the minus strand); deleting any 6 consecutive bases within chr7:92,491,286-92,491,296 gives the same sequence; the c. name uses the placement nearest the transcript's 3' end. VCF-style (leftmost placement, unchanged base first): chr7-92491285-GTTCCAT-G. GRCh37 (hg19) VCF-style: chr7-92120599-GTTCCAT-G.
Other names: c.3419_3424del6 (NM_000466.2); c.3248_3253del, p.Asn1083_Gly1084del (NM_001282677.2); c.2795_2800del, p.Asn932_Gly933del (NM_001282678.2); c.3419_3424delATGGAA (NM_000466.2, NM_000466.3).
Identifiers: ClinVar variation 596889 (VCV000596889.25), dbSNP rs758076338, ClinGen allele CA4340835.